The following is an entry in ClinVar:

ClinVar aggregate classification (germline): Uncertain significance. Review status: criteria provided, multiple submitters, no conflicts (2 of 4 stars). 2 submissions from 2 submitters: Uncertain significance (2). Last evaluated 2026-04-03.

Conditions:
Familial melanoma. Also called: Hereditary melanoma; Hereditary cutaneous melanoma. Identifiers: Orphanet 618, MedGen C1512419, MONDO:0018961.
Hereditary cancer-predisposing syndrome. Also called: Neoplastic Syndromes, Hereditary; Tumor predisposition; Hereditary Cancer Syndrome; Hereditary neoplastic syndrome. Identifiers: Orphanet 140162, MedGen C0027672, MeSH D009386, MONDO:0015356.

Allele frequency attached by ClinVar (database versions not stated): gnomAD exomes below 0.00001.
gnomAD v4.1: 2 of 1,614,098 alleles (0.00012%); highest among the groups gnomAD compares: Non-Finnish European, 0.00017%; no homozygotes.

Submissions (2):

Ambry Genetics
Classification: Uncertain significance for Hereditary cancer-predisposing syndrome. Last evaluated: 2026-04-03. Review status: criteria provided, single submitter. Criteria: Ambry Variant Classification Scheme 2023. Collection method: clinical testing. Allele origin: germline.
Comment: The p.P251S variant (also known as c.751C>T), located in coding exon 6 of the CDK4 gene, results from a C to T substitution at nucleotide position 751. The proline at codon 251 is replaced by serine, an amino acid with similar properties. This amino acid position is well conserved in available vertebrate species. In addition, this alteration is predicted to be tolerated by in silico analysis. Based on the available evidence, the clinical significance of this variant remains unclear.

Labcorp Genetics (formerly Invitae), Labcorp
Classification: Uncertain significance for Familial melanoma. Last evaluated: 2023-04-28. Review status: criteria provided, single submitter. Criteria: Invitae Variant Classification Sherloc (09022015). Collection method: clinical testing. Allele origin: germline.
Comment: In summary, the available evidence is currently insufficient to determine the role of this variant in disease. Therefore, it has been classified as a Variant of Uncertain Significance. Advanced modeling of protein sequence and biophysical properties (such as structural, functional, and spatial information, amino acid conservation, physicochemical variation, residue mobility, and thermodynamic stability) performed at Invitae indicates that this missense variant is not expected to disrupt CDK4 protein function. ClinVar contains an entry for this variant (Variation ID: 1376486). This variant has not been reported in the literature in individuals affected with CDK4-related conditions. This variant is not present in population databases (gnomAD no frequency). This sequence change replaces proline, which is neutral and non-polar, with serine, which is neutral and polar, at codon 251 of the CDK4 protein (p.Pro251Ser).

NM_000075.4(CDK4):c.751C>T (p.Pro251Ser)

Genes: CDK4 (cyclin dependent kinase 4; minus strand), TSPAN31 (tetraspanin 31; plus strand). Cytogenetic location: 12q14.1.
Variant type: single nucleotide variant.
Coding change: c.751C>T on transcript NM_000075.4 (MANE Select); coding-DNA position 751, C replaced by T.
Protein change: p.Pro251Ser; replaces proline 251 with serine.
Molecular consequence: missense variant. On other transcripts: 3 prime UTR variant (3).
Genome position (GRCh38, 1-based): chr12:57,749,250, G>A on the plus strand (C>T on the coding strand, the complement: CDK4 is on the minus strand). VCF-style: chr12-57749250-G-A. GRCh37 (hg19) VCF-style: chr12-58143033-G-A.
Other names: c.*1960G>A (NM_001330168.2, NM_001330169.2, NM_005981.5); c.751C>T (NM_000075.3); short protein forms P251S.
Identifiers: ClinVar variation 1376486 (VCV001376486.9), dbSNP rs2140382870, ClinGen allele CA385543335.